The following is an entry in ClinVar:

NM_000218.3(KCNQ1):c.1139G>C (p.Arg380Thr)

Gene: KCNQ1 (potassium voltage-gated channel subfamily Q member 1; plus strand). Cytogenetic location: 11p15.5.
Variant type: single nucleotide variant.
Coding change: c.1139G>C on transcript NM_000218.3 (MANE Select); coding-DNA position 1139, G replaced by C.
Protein change: p.Arg380Thr; replaces arginine 380 with threonine.
Molecular consequence: missense variant.
Genome position (GRCh38, 1-based): chr11:2,587,580, G>C. VCF-style: chr11-2587580-G-C. GRCh37 (hg19) VCF-style: chr11-2608810-G-C.
Other names: c.1043G>C, p.Arg348Thr (NM_001406836.1); c.869G>C, p.Arg290Thr (NM_001406837.1); c.599G>C, p.Arg200Thr (NM_001406838.1); c.758G>C, p.Arg253Thr (NM_181798.2); short protein forms R290T, R200T, R348T, R380T, R253T.
Identifiers: ClinVar variation 4614413 (VCV004614413.1).

ClinVar aggregate classification (germline): Uncertain significance (1 of 4 stars; one submission).

Conditions:
Cardiovascular phenotype. Identifiers: MedGen CN230736.

Submission:

Ambry Genetics
Classification: Uncertain significance for Cardiovascular phenotype. Last evaluated: 2025-11-19. Review status: criteria provided, single submitter. Criteria: Ambry Variant Classification Scheme 2023. Collection method: clinical testing. Allele origin: germline.
Comment: The p.R380T variant (also known as c.1139G>C), located in coding exon 9 of the KCNQ1 gene, results from a G to C substitution at nucleotide position 1139. The arginine at codon 380 is replaced by threonine, an amino acid with similar properties. This amino acid position is highly conserved in available vertebrate species. In addition, this alteration is predicted to be deleterious by in silico analysis. Based on the available evidence, the clinical significance of this variant remains unclear.